The following is an entry in ClinVar:

ClinVar aggregate classification (germline): Likely benign (1 of 4 stars; one submission).

gnomAD v4.1: 189 of 1,606,028 alleles (0.012%); highest among the groups gnomAD compares: East Asian, 0.065%; no homozygotes.

Submission:

CeGaT Center for Human Genetics Tuebingen
Classification: Likely benign. Last evaluated: 2026-01-01. Review status: criteria provided, single submitter. Criteria: CeGaT Center For Human Genetics Tuebingen Variant Classification Criteria Version 2. Collection method: clinical testing. Allele origin: germline. Affected: yes. Observed: 1 variant allele.
Comment: MUC5B: BP4, BP7

NM_002458.3(MUC5B):c.7404G>C (p.Pro2468=)

Genes: MUC5B (mucin 5B, oligomeric mucus/gel-forming; plus strand), MUC5B-AS1 (MUC5B antisense RNA 1; minus strand). Cytogenetic location: 11p15.5.
Variant type: single nucleotide variant.
Coding change: c.7404G>C on transcript NM_002458.3 (MANE Select); coding-DNA position 7404, G replaced by C.
Protein change: p.Pro2468=; no amino-acid change (proline 2468 retained).
Molecular consequence: synonymous variant.
Genome position (GRCh38, 1-based): chr11:1,244,284, G>C. VCF-style: chr11-1244284-G-C. GRCh37 (hg19) VCF-style: chr11-1265514-G-C.
Identifiers: ClinVar variation 4821035 (VCV004821035.4).
Genomic context (GRCh38, chr11:1,244,284, plus strand): 5'-CACTGGATCCACGGCCACCCCGTCCTCCACCCCAGGGACCACCTGGATCCTCACAGAGCC[G>C]AGCACTACAGCCACCGTGACGGTGCCCACCGGATCCACGGCCACCGCCTCCTCCACCCAG-3'
Protein context (NP_002449.2, residues 2458-2478): TPGTTWILTE[Pro2468=]STTATVTVPT